The following is an entry in ClinVar:

NM_001378477.3(NYX):c.770del (p.Gly257fs)

Gene: NYX (nyctalopin; plus strand). Cytogenetic location: Xp11.4.
Variant type: Deletion.
Coding change: c.770del on transcript NM_001378477.3 (MANE Select); coding-DNA position 770, one base deleted (G; older notation c.770delG).
Protein change: p.Gly257fs; shifts the reading frame from glycine 257.
Molecular consequence: frameshift variant.
Genome position (GRCh38, 1-based): chrX:41,474,238, G deleted; the last of 3 consecutive G bases (chrX:41,474,236-41,474,238); deleting any one gives the same sequence. VCF-style (leftmost placement, unchanged base first): chrX-41474235-TG-T. GRCh37 (hg19) VCF-style: chrX-41333488-TG-T.
Other names: c.770del, p.Gly257fs (NM_022567.3); c.785del (NM_022567.2); short protein forms G257fs.
Identifiers: ClinVar variation 1387183 (VCV001387183.7), dbSNP rs2147026037, ClinGen allele CA2573158854.

ClinVar aggregate classification (germline): Pathogenic. Review status: criteria provided, single submitter (1 of 4 stars). 2 submissions from 2 submitters: Pathogenic (1). 1 of the submissions does not count toward it. Last evaluated 2023-08-31.

Conditions:
Retinal dystrophy. Also called: Inherited retinal dystrophy. Identifiers: Orphanet 71862, MedGen C0854723, MeSH D058499, MONDO:0019118, HP:0000556.

Submissions (2):

Labcorp Genetics (formerly Invitae), Labcorp
Classification: Pathogenic. Last evaluated: 2023-08-31. Review status: criteria provided, single submitter. Criteria: Invitae Variant Classification Sherloc (09022015). Collection method: clinical testing. Allele origin: germline.
Comment: This sequence change creates a premature translational stop signal (p.Gly262Valfs*86) in the NYX gene. While this is not anticipated to result in nonsense mediated decay, it is expected to disrupt the last 220 amino acid(s) of the NYX protein. This variant is not present in population databases (gnomAD no frequency). For these reasons, this variant has been classified as Pathogenic. This variant disrupts a region of the NYX protein in which other variant(s) (p.Cys362*) have been determined to be pathogenic (Invitae). This suggests that this is a clinically significant region of the protein, and that variants that disrupt it are likely to be disease-causing. ClinVar contains an entry for this variant (Variation ID: 1387183). This variant has not been reported in the literature in individuals affected with NYX-related conditions.

Institute of Human Genetics, Univ. Regensburg, Univ. Regensburg
Classification: Pathogenic for Retinal dystrophy. Last evaluated: 2012-01-01. Review status: no assertion criteria provided. Criteria: ACMG Guidelines, 2015. Collection method: clinical testing. Allele origin: germline. Affected: yes. Not counted in ClinVar's aggregate classification.